The following is an entry in ClinVar:

ClinVar aggregate classification (germline): Pathogenic (1 of 4 stars; one submission).

Conditions:
Cranioectodermal dysplasia 1 (CED1). Also called: LEVIN SYNDROME I. Identifiers: Orphanet 1515, MedGen C0432235, MONDO:0021093, OMIM 218330.

Submission:

Labcorp Genetics (formerly Invitae), Labcorp
Classification: Pathogenic for Cranioectodermal dysplasia 1. Last evaluated: 2024-11-30. Review status: criteria provided, single submitter. Criteria: Invitae Variant Classification Sherloc (09022015). Collection method: clinical testing. Allele origin: germline.
Comment: This sequence change creates a premature translational stop signal (p.Glu740Argfs*62) in the IFT122 gene. It is expected to result in an absent or disrupted protein product. Loss-of-function variants in IFT122 are known to be pathogenic (PMID: 20493458, 23826986, 26792575). This variant is not present in population databases (gnomAD no frequency). This variant has not been reported in the literature in individuals affected with IFT122-related conditions. For these reasons, this variant has been classified as Pathogenic.

Literature cited by the submitters: PubMed 20493458; PubMed 23826986; PubMed 26792575.

NM_052989.3(IFT122):c.2064del (p.Glu689fs)

Genes: IFT122 (intraflagellar transport 122; plus strand), LOC126806810 (CDK7 strongly-dependent group 2 enhancer GRCh37_chr3:129213542-129214741; plus strand). Cytogenetic location: 3q21.3.
Variant type: Deletion.
Coding change: c.2064del on transcript NM_052989.3 (MANE Select); coding-DNA position 2064, one base deleted (A; older notation c.2064delA).
Protein change: p.Glu689fs; shifts the reading frame from glutamic acid 689.
Molecular consequence: frameshift variant.
Genome position (GRCh38, 1-based): chr3:129,495,463, A deleted. VCF-style (leftmost placement, unchanged base first): chr3-129495462-GA-G. GRCh37 (hg19) VCF-style: chr3-129214305-GA-G.
Other names: c.2040del, p.Glu681fs (NM_001280541.2); c.1614del, p.Glu539fs (NM_001280545.2); c.1437del, p.Glu480fs (NM_001280546.2); c.2064del, p.Glu689fs (NM_001410808.1); c.2010del, p.Glu671fs (NM_001410809.1); c.1887del, p.Glu630fs (NM_001410810.1, NM_018262.4); c.1833del, p.Glu612fs (NM_001410811.1, NM_001410813.1); c.1731del, p.Glu578fs (NM_001410815.1, NM_052990.3); and 2 more; short protein forms E560fs, E681fs, E480fs, E539fs, E578fs, E612fs, E689fs, E740fs.
Identifiers: ClinVar variation 3679340 (VCV003679340.2).